The following is an entry in ClinVar:

NM_182760.4(SUMF1):c.955-1G>T

Gene: SUMF1 (sulfatase modifying factor 1; minus strand). Cytogenetic location: 3p26.1.
Variant type: single nucleotide variant.
Coding change: c.955-1G>T on transcript NM_182760.4 (MANE Select); the canonical splice acceptor site of the intron before coding-DNA position 955, G replaced by T.
Molecular consequence: splice acceptor variant. On other transcripts: intron variant (1).
Genome position (GRCh38, 1-based): chr3:4,376,390, C>A on the plus strand (G>T on the coding strand, the complement: SUMF1 is on the minus strand). VCF-style: chr3-4376390-C-A. GRCh37 (hg19) VCF-style: chr3-4418074-C-A.
Other names: c.880-1G>T (NM_001164674.2); c.955-14136G>T (NM_001164675.2); c.955-1G>T (NM_182760.3).
Identifiers: ClinVar variation 1505281 (VCV001505281.7), dbSNP rs1247498705, ClinGen allele CA351628408.

ClinVar aggregate classification (germline): Likely pathogenic. Review status: criteria provided, multiple submitters, no conflicts (2 of 4 stars). 2 submissions from 2 submitters: Likely pathogenic (2). Last evaluated 2024-11-25.

Conditions:
Multiple sulfatase deficiency (MSD). Also called: Mucosulfatidosis; Multiple Sulfatase Deficiency Disease; Sulfatidosis, Juvenile, Austin Type. Identifiers: Orphanet 585, MedGen C0268263, MONDO:0010088, OMIM 272200.

Allele frequency attached by ClinVar (database versions not stated): TOPMed below 0.00001; gnomAD 0.00001.
gnomAD v4.1: 1 of 1,614,026 alleles (0.000062%); highest among the groups gnomAD compares: African/African-American, 0.0013%; no homozygotes.

Submissions (2):

Natera, Inc.
Classification: Likely pathogenic for Multiple sulfatase deficiency. Last evaluated: 2024-11-25. Review status: criteria provided, single submitter. Criteria: Natera Variant Classification Schema (03/2026). Collection method: clinical testing. Allele origin: germline.
Comment: The c.955-1G>T variant in SUMF1 is a canonical splice acceptor site variant predicted to affect pre-mRNA splicing, which may result in an abnormal transcript and altered protein product. This variant is expected to result in nonsense mediated decay, truncation, or a dysfunctional protein product. This variant is rare in the general population with a frequency below the threshold expected for the associated phenotype(s). Given the available evidence, this variant is classified as Likely Pathogenic.

Labcorp Genetics (formerly Invitae), Labcorp
Classification: Likely pathogenic for Multiple sulfatase deficiency. Last evaluated: 2022-11-11. Review status: criteria provided, single submitter. Criteria: Invitae Variant Classification Sherloc (09022015). Collection method: clinical testing. Allele origin: germline.
Comment: This variant has not been reported in the literature in individuals affected with SUMF1-related conditions. This sequence change affects an acceptor splice site in intron 7 of the SUMF1 gene. It is expected to disrupt RNA splicing. Variants that disrupt the donor or acceptor splice site typically lead to a loss of protein function (PMID: 16199547), and loss-of-function variants in SUMF1 are known to be pathogenic (PMID: 12757705, 12757706, 25885655). This variant is not present in population databases (gnomAD no frequency). ClinVar contains an entry for this variant (Variation ID: 1505281). Algorithms developed to predict the effect of sequence changes on RNA splicing suggest that this variant may disrupt the consensus splice site. In summary, the currently available evidence indicates that the variant is pathogenic, but additional data are needed to prove that conclusively. Therefore, this variant has been classified as Likely Pathogenic.

Literature cited by the submitters: PubMed 16199547 (cited by Labcorp Genetics (formerly Invitae), Labcorp); PubMed 12757705 (cited by Labcorp Genetics (formerly Invitae), Labcorp); PubMed 12757706 (cited by Labcorp Genetics (formerly Invitae), Labcorp); PubMed 25885655 (cited by Labcorp Genetics (formerly Invitae), Labcorp).